The following is an entry in ClinVar:

ClinVar aggregate classification (germline): Uncertain significance (1 of 4 stars; one submission).

Allele frequency attached by ClinVar (database versions not stated): TOPMed below 0.00001.

Submission:

Labcorp Genetics (formerly Invitae), Labcorp
Classification: Uncertain significance. Last evaluated: 2021-08-24. Review status: criteria provided, single submitter. Criteria: Invitae Variant Classification Sherloc (09022015). Collection method: clinical testing. Allele origin: germline.
Comment: This sequence change replaces leucine with phenylalanine at codon 456 of the TUBGCP6 protein (p.Leu456Phe). The leucine residue is moderately conserved and there is a small physicochemical difference between leucine and phenylalanine. The frequency data for this variant in the population databases is considered unreliable, as metrics indicate poor data quality at this position in the ExAC database. This variant has not been reported in the literature in individuals affected with TUBGCP6-related conditions. Algorithms developed to predict the effect of missense changes on protein structure and function are either unavailable or do not agree on the potential impact of this missense change (SIFT: "Deleterious"; PolyPhen-2: "Probably Damaging"; Align-GVGD: "Class C0"). In summary, the available evidence is currently insufficient to determine the role of this variant in disease. Therefore, it has been classified as a Variant of Uncertain Significance.

NM_020461.4(TUBGCP6):c.1366C>T (p.Leu456Phe)

Gene: TUBGCP6 (tubulin gamma complex component 6; minus strand). Cytogenetic location: 22q13.33.
Variant type: single nucleotide variant.
Coding change: c.1366C>T on transcript NM_020461.4 (MANE Select); coding-DNA position 1366, C replaced by T.
Protein change: p.Leu456Phe; replaces leucine 456 with phenylalanine.
Molecular consequence: missense variant.
Genome position (GRCh38, 1-based): chr22:50,227,953, G>A on the plus strand (C>T on the coding strand, the complement: TUBGCP6 is on the minus strand). VCF-style: chr22-50227953-G-A. GRCh37 (hg19) VCF-style: chr22-50666382-G-A.
Other names: short protein forms L456F.
Identifiers: ClinVar variation 1407681 (VCV001407681.6), dbSNP rs760261048, ClinGen allele CA10308722.